The following is an entry in ClinVar:

NM_017952.6(PTCD3):c.902C>T (p.Thr301Ile)

Gene: PTCD3 (pentatricopeptide repeat domain 3; plus strand). Cytogenetic location: 2p11.2.
Variant type: single nucleotide variant.
Coding change: c.902C>T on transcript NM_017952.6 (MANE Select); coding-DNA position 902, C replaced by T.
Protein change: p.Thr301Ile; replaces threonine 301 with isoleucine.
Molecular consequence: missense variant.
Genome position (GRCh38, 1-based): chr2:86,125,831, C>T. VCF-style: chr2-86125831-C-T. GRCh37 (hg19) VCF-style: chr2-86352954-C-T.
Other names: short protein forms T301I.
Identifiers: ClinVar variation 2671854 (VCV002671854.5), dbSNP rs2466560501, ClinGen allele CA347543852.

ClinVar aggregate classification (germline): Likely pathogenic. Review status: criteria provided, single submitter (1 of 4 stars). 2 submissions from 2 submitters: Likely pathogenic (1). 1 of the submissions does not count toward it. Last evaluated 2026-08-06.

Conditions:
Combined oxidative phosphorylation deficiency 51. Identifiers: MedGen C5436703, MONDO:0033631, OMIM 619057.

gnomAD v4.1: 5 of 1,609,508 alleles (0.00031%); highest among the groups gnomAD compares: Admixed American, 0.0017%; no homozygotes.

Submissions (2):

OLLIN Analises Genomicas, OLLIN
Classification: Likely pathogenic for Combined oxidative phosphorylation deficiency 51. Last evaluated: 2026-08-06. Review status: criteria provided, single submitter. Criteria: ACMG Guidelines 2015 PMID 25741868. Collection method: clinical testing. Allele origin: germline. Inheritance: Autosomal recessive inheritance.
Comment: This missense variant, located in exon 12 (of 24), has been reported in ClinVar (accession VCV002671854.4), in gnomAD with an allele frequency of 0.00031%, and in the scientific literature, segregating with the phenotype and in compound heterozygosity, in individuals with PTCD3 related disorders (PMID: 36450274). In silico analysis is inconclusive regarding the impact of this variant; however, functional studies suggest that it affects protein function (PMID: 36450274). According to the currently available evidence, this variant has been classified as likely pathogenic (PS3_P, PM2_P, PM3_S, PP1, BP4_M).

OMIM
Classification: Pathogenic for COMBINED OXIDATIVE PHOSPHORYLATION DEFICIENCY 51. Last evaluated: 2024-02-08. Review status: no assertion criteria provided. Collection method: literature only. Allele origin: germline. Not counted in ClinVar's aggregate classification.

Literature cited by the submitters: PubMed 36450274 (cited by OLLIN Analises Genomicas, OLLIN and OMIM).